The following is an entry in ClinVar:

ClinVar aggregate classification (germline): Conflicting classifications of pathogenicity. Review status: criteria provided, conflicting classifications (1 of 4 stars). 4 submissions from 4 submitters: Uncertain significance (1); Likely benign (2). 1 of the submissions does not count toward it. Last evaluated 2026-06-01.

Conditions:
NIPBL-related disorder. Also called: NIPBL-related condition.
Cornelia de Lange syndrome 1 (CDLS1). Also called: TYPUS DEGENERATIVUS AMSTELODAMENSIS; NIPBL-Related Cornelia de Lange Syndrome; Brachmann de Lange syndrome. Identifiers: Orphanet 199, MedGen C4551851, MONDO:0007387, OMIM 122470.

Allele frequency attached by ClinVar (database versions not stated): gnomAD exomes below 0.00001; TOPMed below 0.00001.

Submissions (4):

CeGaT Center for Human Genetics Tuebingen
Classification: Likely benign. Last evaluated: 2026-06-01. Review status: criteria provided, single submitter. Criteria: CeGaT Center For Human Genetics Tuebingen Variant Classification Criteria Version 2. Collection method: clinical testing. Allele origin: germline. Affected: yes. Observed: 3 variant alleles.
Comment: NIPBL: BP4, BP7

Labcorp Genetics (formerly Invitae), Labcorp
Classification: Likely benign for Cornelia de Lange syndrome 1. Last evaluated: 2024-03-20. Review status: criteria provided, single submitter. Criteria: Invitae Variant Classification Sherloc (09022015). Collection method: clinical testing. Allele origin: germline.

Genetic Services Laboratory, University of Chicago
Classification: Uncertain significance for Cornelia de Lange syndrome 1. Last evaluated: 2013-02-08. Review status: criteria provided, single submitter. Criteria: ACMG Guidelines, 2007. Collection method: clinical testing. Allele origin: germline. Inheritance: Autosomal dominant inheritance.

PreventionGenetics, part of Exact Sciences
Classification: Likely benign for NIPBL-related condition. Last evaluated: 2024-02-29. Review status: no assertion criteria provided. Collection method: clinical testing. Allele origin: germline. Not counted in ClinVar's aggregate classification.
Comment: This variant is classified as likely benign based on ACMG/AMP sequence variant interpretation guidelines (Richards et al. 2015 PMID: 25741868, with internal and published modifications).

NM_133433.4(NIPBL):c.894A>G (p.Gln298=)

Gene: NIPBL (NIPBL cohesin loading factor; plus strand). Cytogenetic location: 5p13.2.
Variant type: single nucleotide variant.
Coding change: c.894A>G on transcript NM_133433.4 (MANE Select); coding-DNA position 894, A replaced by G.
Protein change: p.Gln298=; no amino-acid change (glutamine 298 retained).
Molecular consequence: synonymous variant.
Genome position (GRCh38, 1-based): chr5:36,975,801, A>G. VCF-style: chr5-36975801-A-G. GRCh37 (hg19) VCF-style: chr5-36975903-A-G.
Other names: c.894A>G, p.Gln298= (NM_015384.5).
Identifiers: ClinVar variation 159253 (VCV000159253.25), dbSNP rs587784064, ClinGen allele CA272335.
Genomic context (GRCh38, chr5:36,975,801, plus strand): 5'-CCACAACTGTTACTTCTATCGAATTATTTTTCTAGGCTCAAGACCACCTTTAATCCTACA[A>G]TCTCAGTCTCTACCTTGTTCATCACCTCGAGATGTTCCACCAGATATCTTGCTAGATTCT-3'
Protein context (NP_597677.2, residues 288-308): PKGSRPPLIL[Gln298=]SQSLPCSSPR